The following is an entry in ClinVar:

NM_000722.4(CACNA2D1):c.1019C>T (p.Ala340Val)

Gene: CACNA2D1 (calcium voltage-gated channel auxiliary subunit alpha2delta 1; minus strand). Cytogenetic location: 7q21.11.
Variant type: single nucleotide variant.
Coding change: c.1019C>T on transcript NM_000722.4 (MANE Select); coding-DNA position 1019, C replaced by T.
Protein change: p.Ala340Val; replaces alanine 340 with valine.
Molecular consequence: missense variant.
Genome position (GRCh38, 1-based): chr7:82,038,096, G>A on the plus strand (C>T on the coding strand, the complement: CACNA2D1 is on the minus strand). VCF-style: chr7-82038096-G-A. GRCh37 (hg19) VCF-style: chr7-81667412-G-A.
Other names: c.1019C>T, p.Ala340Val (NM_001366867.1); short protein forms A340V.
Identifiers: ClinVar variation 3642485 (VCV003642485.2).

ClinVar aggregate classification (germline): Uncertain significance (1 of 4 stars; one submission).

Conditions:
Brugada syndrome. Also called: Sudden unexpected nocturnal death syndrome; Sudden unexplained nocturnal death syndrome; Sudden Unexplained Death Syndrome; Sudden Unexplained Nocturnal Death Syndrome (SUNDS). Identifiers: Orphanet 130, MedGen C1142166, MONDO:0015263.

Submission:

Labcorp Genetics (formerly Invitae), Labcorp
Classification: Uncertain significance for Brugada syndrome. Last evaluated: 2024-02-22. Review status: criteria provided, single submitter. Criteria: Invitae Variant Classification Sherloc (09022015). Collection method: clinical testing. Allele origin: germline.
Comment: This sequence change replaces alanine, which is neutral and non-polar, with valine, which is neutral and non-polar, at codon 340 of the CACNA2D1 protein (p.Ala340Val). This variant is not present in population databases (gnomAD no frequency). This variant has not been reported in the literature in individuals affected with CACNA2D1-related conditions. An algorithm developed to predict the effect of missense changes on protein structure and function (PolyPhen-2) suggests that this variant is likely to be disruptive. In summary, the available evidence is currently insufficient to determine the role of this variant in disease. Therefore, it has been classified as a Variant of Uncertain Significance.